The following is an entry in ClinVar:

NM_001267550.2(TTN):c.25104C>A (p.Asp8368Glu)

Gene: TTN (titin; minus strand). Cytogenetic location: 2q31.2.
Variant type: single nucleotide variant.
Coding change: c.25104C>A on transcript NM_001267550.2 (MANE Select); coding-DNA position 25104, C replaced by A.
Protein change: p.Asp8368Glu; replaces aspartic acid 8368 with glutamic acid.
Molecular consequence: missense variant. On other transcripts: intron variant (3).
Genome position (GRCh38, 1-based): chr2:178,717,770, G>T on the plus strand (C>A on the coding strand, the complement: TTN is on the minus strand). VCF-style: chr2-178717770-G-T. GRCh37 (hg19) VCF-style: chr2-179582497-G-T.
Other names: c.24153C>A, p.Asp8051Glu (NM_001256850.1); c.21372C>A, p.Asp7124Glu (NM_133378.4); c.13282+20312C>A (NM_003319.4); c.13858+20312C>A (NM_133437.4); c.13657+20312C>A (NM_133432.3); short protein forms D7124E, D8051E, D8368E.
Identifiers: ClinVar variation 4982455 (VCV004982455.1).

ClinVar aggregate classification (germline): Uncertain significance (1 of 4 stars; one submission).

Conditions:
TTN-related disorder. Also called: TTN-related disorders; TTN-related condition; TTN-related disease.

gnomAD v4.1: 61 of 1,608,834 alleles (0.0038%); highest among the groups gnomAD compares: Non-Finnish European, 0.0049%; no homozygotes.

Submission:

PreventionGenetics, part of Exact Sciences
Classification: Uncertain significance for TTN-related condition. Last evaluated: 2025-12-30. Review status: criteria provided, single submitter. Criteria: ACMG Guidelines, 2015. Collection method: clinical testing. Allele origin: germline.
Comment: The TTN c.25104C>A variant is predicted to result in the amino acid substitution p.Asp8368Glu. To our knowledge, this variant has not been reported in the literature. This variant is reported in 0.0066% of alleles in individuals of African descent in gnomAD. At this time, the clinical significance of this variant is uncertain due to the absence of conclusive functional and genetic evidence.